The following is an entry in ClinVar:

NM_022836.4(DCLRE1B):c.1277C>T (p.Thr426Met)

Gene: DCLRE1B (DNA cross-link repair 1B; plus strand). Cytogenetic location: 1p13.2.
Variant type: single nucleotide variant.
Coding change: c.1277C>T on transcript NM_022836.4 (MANE Select); coding-DNA position 1277, C replaced by T.
Protein change: p.Thr426Met; replaces threonine 426 with methionine.
Molecular consequence: missense variant. On other transcripts: intron variant (2).
Genome position (GRCh38, 1-based): chr1:113,911,869, C>T. VCF-style: chr1-113911869-C-T. GRCh37 (hg19) VCF-style: chr1-114454491-C-T.
Other names: c.899C>T, p.Thr300Met (NM_001319946.2, NM_001319947.2); c.1246+31C>T (NM_001363690.2); c.868+31C>T (NM_001363691.2); short protein forms T300M, T426M.
Identifiers: ClinVar variation 1015208 (VCV001015208.8), dbSNP rs375759945, ClinGen allele CA341707547.
Genomic context (GRCh38, chr1:113,911,869, plus strand): 5'-GCAAAGAATGGAACAAGGCAGTGCCTTTCTGTGAGTCTCAAAAGAGGGTGACTATGTTGA[C>T]GGCCCCACTGGGATTTTCAGTGCACTTAAGGTCTACAGATGAGGAGTTTATTTCTCAAAA-3'
Protein context (NP_073747.1, residues 416-436): CESQKRVTML[Thr426Met]APLGFSVHLR

ClinVar aggregate classification (germline): Uncertain significance (1 of 4 stars; one submission).

Conditions:
Hoyeraal-Hreidarsson syndrome (HHS). Also called: CEREBELLAR HYPOPLASIA WITH PANCYTOPENIA. Identifiers: Orphanet 3322, MedGen C1846142, MONDO:0018045.
Autosomal recessive dyskeratosis congenita. Identifiers: MedGen C3502105.

Allele frequency attached by ClinVar (database versions not stated): gnomAD exomes 0.00001; gnomAD 0.00003; TOPMed 0.00003.
gnomAD v4.1: 18 of 1,614,068 alleles (0.0011%); highest among the groups gnomAD compares: Middle Eastern, 0.033%; no homozygotes.

Submission:

Labcorp Genetics (formerly Invitae), Labcorp
Classification: Uncertain significance for Hoyeraal-Hreidarsson syndrome; Autosomal recessive dyskeratosis congenita. Last evaluated: 2022-02-04. Review status: criteria provided, single submitter. Criteria: Invitae Variant Classification Sherloc (09022015). Collection method: clinical testing. Allele origin: germline.
Comment: ClinVar contains an entry for this variant (Variation ID: 1015208). In summary, the available evidence is currently insufficient to determine the role of this variant in disease. Therefore, it has been classified as a Variant of Uncertain Significance. Algorithms developed to predict the effect of missense changes on protein structure and function are either unavailable or do not agree on the potential impact of this missense change (SIFT: "Deleterious"; PolyPhen-2: "Possibly Damaging"; Align-GVGD: "Class C0"). This variant has not been reported in the literature in individuals affected with DCLRE1B-related conditions. This variant is present in population databases (no rsID available, gnomAD 0.1%). This sequence change replaces threonine, which is neutral and polar, with methionine, which is neutral and non-polar, at codon 426 of the DCLRE1B protein (p.Thr426Met).